The following is an entry in ClinVar:

NM_000081.4(LYST):c.2570C>G (p.Ser857Cys)

Gene: LYST (lysosomal trafficking regulator; minus strand). Cytogenetic location: 1q42.3.
Variant type: single nucleotide variant.
Coding change: c.2570C>G on transcript NM_000081.4 (MANE Select); coding-DNA position 2570, C replaced by G.
Protein change: p.Ser857Cys; replaces serine 857 with cysteine.
Molecular consequence: missense variant.
Genome position (GRCh38, 1-based): chr1:235,806,566, G>C on the plus strand (C>G on the coding strand, the complement: LYST is on the minus strand). VCF-style: chr1-235806566-G-C. GRCh37 (hg19) VCF-style: chr1-235969866-G-C.
Other names: c.2570C>G, p.Ser857Cys (NM_001301365.1); short protein forms S857C.
Identifiers: ClinVar variation 937365 (VCV000937365.9), dbSNP rs144261004, ClinGen allele CA1467251.

ClinVar aggregate classification (germline): Uncertain significance. Review status: criteria provided, multiple submitters, no conflicts (2 of 4 stars). 3 submissions from 3 submitters: Uncertain significance (3). Last evaluated 2024-11-05.

Conditions:
Chédiak-Higashi syndrome (CHS). Also called: Chediak-Higashi Syndrome. Identifiers: Orphanet 167, MedGen C0007965, MONDO:0008963, OMIM 214500.

Allele frequency attached by ClinVar (database versions not stated): ExAC 0.00002; gnomAD 0.00002; gnomAD exomes 0.00002; TOPMed 0.00002; ESP Exome Variant Server 0.00008.
gnomAD v4.1: 28 of 1,613,920 alleles (0.0017%); highest among the groups gnomAD compares: Non-Finnish European, 0.0021%; no homozygotes.

Submissions (3):

Labcorp Genetics (formerly Invitae), Labcorp
Classification: Uncertain significance for Chédiak-Higashi syndrome. Last evaluated: 2024-11-05. Review status: criteria provided, single submitter. Criteria: Invitae Variant Classification Sherloc (09022015). Collection method: clinical testing. Allele origin: germline.
Comment: This sequence change replaces serine, which is neutral and polar, with cysteine, which is neutral and slightly polar, at codon 857 of the LYST protein (p.Ser857Cys). This variant is present in population databases (rs144261004, gnomAD 0.004%). This missense change has been observed in individual(s) with Chediak-Higashi syndrome (PMID: 21878672). ClinVar contains an entry for this variant (Variation ID: 937365). Invitae Evidence Modeling of protein sequence and biophysical properties (such as structural, functional, and spatial information, amino acid conservation, physicochemical variation, residue mobility, and thermodynamic stability) indicates that this missense variant is not expected to disrupt LYST protein function with a negative predictive value of 80%. In summary, the available evidence is currently insufficient to determine the role of this variant in disease. Therefore, it has been classified as a Variant of Uncertain Significance.

Women's Health and Genetics/Laboratory Corporation of America, LabCorp
Classification: Uncertain significance. Last evaluated: 2023-07-03. Review status: criteria provided, single submitter. Criteria: LabCorp Variant Classification Summary - May 2015. Collection method: clinical testing. Allele origin: germline.
Comment: Variant summary: LYST c.2570C>G (p.Ser857Cys) results in a non-conservative amino acid change in the encoded protein sequence. Three of five in-silico tools predict a damaging effect of the variant on protein function. The variant allele was found at a frequency of 1.6e-05 in 251050 control chromosomes (gnomAD). The available data on variant occurrences in the general population are insufficient to allow any conclusion about variant significance. c.2570C>G has been reported in the literature in an individual affected with Chediak-Higashi Syndrome, however, this individual was also homozygous for LYST c.9930delT; p.Phe3310LeufsX36 (example: Jessen_2011) . These report(s) do not provide unequivocal conclusions about association of the variant with Chediak-Higashi Syndrome. To our knowledge, no experimental evidence demonstrating an impact on protein function has been reported. The following publication has been ascertained in the context of this evaluation (PMID: 21878672). Two submitters have cited clinical-significance assessments for this variant to ClinVar after 2014. All submitters classified the variant as uncertain significance. Based on the evidence outlined above, the variant was classified as uncertain significance.

Revvity Omics, Revvity
Classification: Uncertain significance for Chédiak-Higashi syndrome. Last evaluated: 2019-12-26. Review status: criteria provided, single submitter. Criteria: ACMG Guidelines, 2015. Collection method: clinical testing. Allele origin: germline.

Literature cited by the submitters: PubMed 21878672 (cited by Labcorp Genetics (formerly Invitae), Labcorp and Women's Health and Genetics/Laboratory Corporation of America, LabCorp).